The following is an entry in ClinVar:

ClinVar aggregate classification (germline): Uncertain significance (1 of 4 stars; one submission).

Conditions:
Cardiovascular phenotype. Identifiers: MedGen CN230736.

gnomAD v4.1: 1 of 1,611,422 alleles (0.000062%); highest among the groups gnomAD compares: African/African-American, 0.0013%; no homozygotes.

Submission:

Ambry Genetics
Classification: Uncertain significance for Cardiovascular phenotype. Last evaluated: 2025-09-12. Review status: criteria provided, single submitter. Criteria: Ambry Variant Classification Scheme 2023. Collection method: clinical testing. Allele origin: germline.
Comment: The p.D3544G variant (also known as c.10631A>G), located in coding exon 43 of the AKAP9 gene, results from an A to G substitution at nucleotide position 10631. The aspartic acid at codon 3544 is replaced by glycine, an amino acid with similar properties. This amino acid position is conserved. In addition, this alteration is predicted to be tolerated by in silico analysis. Based on the available evidence, the clinical significance of this variant remains unclear.

NM_005751.5(AKAP9):c.10631A>G (p.Asp3544Gly)

Gene: AKAP9 (A-kinase anchoring protein 9; plus strand). Cytogenetic location: 7q21.2.
Variant type: single nucleotide variant.
Coding change: c.10631A>G on transcript NM_005751.5 (MANE Select); coding-DNA position 10631, A replaced by G.
Protein change: p.Asp3544Gly; replaces aspartic acid 3544 with glycine.
Molecular consequence: missense variant.
Genome position (GRCh38, 1-based): chr7:92,098,132, A>G. VCF-style: chr7-92098132-A-G. GRCh37 (hg19) VCF-style: chr7-91727446-A-G.
Other names: c.5276A>G, p.Asp1759Gly (NM_001379277.1); c.10607A>G, p.Asp3536Gly (NM_147185.3); short protein forms D3536G, D3544G, D1759G.
Identifiers: ClinVar variation 4265434 (VCV004265434.1).